The following is an entry in ClinVar:

NM_020297.4(ABCC9):c.2237+1G>C

Gene: ABCC9 (ATP binding cassette subfamily C member 9; minus strand). Cytogenetic location: 12p12.1.
Variant type: single nucleotide variant.
Coding change: c.2237+1G>C on transcript NM_020297.4 (MANE Select); the canonical splice donor site of the intron after coding-DNA position 2237, G replaced by C.
Molecular consequence: splice donor variant.
Genome position (GRCh38, 1-based): chr12:21,864,438, C>G on the plus strand (G>C on the coding strand, the complement: ABCC9 is on the minus strand). VCF-style: chr12-21864438-C-G. GRCh37 (hg19) VCF-style: chr12-22017372-C-G.
Other names: c.1373+1G>C (NM_001377274.1); c.2237+1G>C (NM_005691.4, NM_001377273.1).
Identifiers: ClinVar variation 1465409 (VCV001465409.8), dbSNP rs1178925696, ClinGen allele CA384130368.

ClinVar aggregate classification (germline): Likely pathogenic (1 of 4 stars; one submission).

Conditions:
Dilated cardiomyopathy 1O (CMD1O). Also called: CARDIOMYOPATHY, DILATED, WITH VENTRICULAR TACHYCARDIA. Identifiers: Orphanet 154, MedGen C1837839, MONDO:0012062, OMIM 608569.

gnomAD v4.1: 1 of 1,580,488 alleles (0.000063%); highest among the groups gnomAD compares: African/African-American, 0.0013%; no homozygotes.

Submission:

Labcorp Genetics (formerly Invitae), Labcorp
Classification: Likely pathogenic for Dilated cardiomyopathy 1O. Last evaluated: 2024-10-01. Review status: criteria provided, single submitter. Criteria: Invitae Variant Classification Sherloc (09022015). Collection method: clinical testing. Allele origin: germline.
Comment: This sequence change affects a donor splice site in intron 17 of the ABCC9 gene. It is expected to disrupt RNA splicing. Variants that disrupt the donor or acceptor splice site typically lead to a loss of protein function (PMID: 16199547), and loss-of-function variants in ABCC9 are known to be pathogenic (PMID: 31575858, 38217872). The frequency data for this variant in the population databases is considered unreliable, as metrics indicate poor data quality at this position in the gnomAD database. This variant has not been reported in the literature in individuals affected with ABCC9-related conditions. ClinVar contains an entry for this variant (Variation ID: 1465409). Algorithms developed to predict the effect of sequence changes on RNA splicing suggest that this variant may disrupt the consensus splice site. In summary, the currently available evidence indicates that the variant is pathogenic, but additional data are needed to prove that conclusively. Therefore, this variant has been classified as Likely Pathogenic.

Literature cited by the submitters: PubMed 16199547; PubMed 31575858; PubMed 38217872.